The following is an entry in ClinVar:

ClinVar aggregate classification (germline): Uncertain significance. Review status: criteria provided, multiple submitters, no conflicts (2 of 4 stars). 2 submissions from 2 submitters: Uncertain significance (2). Last evaluated 2025-09-16.

Conditions:
Hereditary cancer-predisposing syndrome. Also called: Neoplastic Syndromes, Hereditary; Tumor predisposition; Hereditary Cancer Syndrome; Hereditary neoplastic syndrome. Identifiers: Orphanet 140162, MedGen C0027672, MeSH D009386, MONDO:0015356.

gnomAD v4.1: 1 of 1,613,738 alleles (0.000062%); highest among the groups gnomAD compares: Non-Finnish European, 0.000085%; no homozygotes.

Submissions (2):

Labcorp Genetics (formerly Invitae), Labcorp
Classification: Uncertain significance for Hereditary cancer-predisposing syndrome. Last evaluated: 2025-09-16. Review status: criteria provided, single submitter. Criteria: Invitae Variant Classification Sherloc (09022015). Collection method: clinical testing. Allele origin: germline.
Comment: This sequence change replaces lysine, which is basic and polar, with asparagine, which is neutral and polar, at codon 1068 of the RAD50 protein (p.Lys1068Asn). This variant is not present in population databases (gnomAD no frequency). This variant has not been reported in the literature in individuals affected with RAD50-related conditions. ClinVar contains an entry for this variant (Variation ID: 187399). Invitae Evidence Modeling of protein sequence and biophysical properties (such as structural, functional, and spatial information, amino acid conservation, physicochemical variation, residue mobility, and thermodynamic stability) indicates that this missense variant is not expected to disrupt RAD50 protein function with a negative predictive value of 80%. In summary, the available evidence is currently insufficient to determine the role of this variant in disease. Therefore, it has been classified as a Variant of Uncertain Significance.

Ambry Genetics
Classification: Uncertain significance for Hereditary cancer-predisposing syndrome. Last evaluated: 2024-08-22. Review status: criteria provided, single submitter. Criteria: Ambry Variant Classification Scheme 2023. Collection method: clinical testing. Allele origin: germline.
Comment: The p.K1068N variant (also known as c.3204A>C), located in coding exon 21 of the RAD50 gene, results from an A to C substitution at nucleotide position 3204. The lysine at codon 1068 is replaced by asparagine, an amino acid with similar properties. This amino acid position is highly conserved in available vertebrate species. In addition, this alteration is predicted to be tolerated by in silico analysis. Since supporting evidence is limited at this time, the clinical significance of this alteration remains unclear.

NM_005732.4(RAD50):c.3204A>C (p.Lys1068Asn)

Gene: RAD50 (RAD50 double strand break repair protein; plus strand). Cytogenetic location: 5q31.1.
Variant type: single nucleotide variant.
Coding change: c.3204A>C on transcript NM_005732.4 (MANE Select); coding-DNA position 3204, A replaced by C.
Protein change: p.Lys1068Asn; replaces lysine 1068 with asparagine.
Molecular consequence: missense variant.
Genome position (GRCh38, 1-based): chr5:132,618,109, A>C. VCF-style: chr5-132618109-A-C. GRCh37 (hg19) VCF-style: chr5-131953801-A-C.
Other names: short protein forms K1068N.
Identifiers: ClinVar variation 187399 (VCV000187399.15), dbSNP rs786203703, ClinGen allele CA197550.
Genomic context (GRCh38, chr5:132,618,109, plus strand): 5'-TGTCATTTTTCTTTTTTACAGTGAACATCAGAAGTTGGAAGAGAACATAGACAATATAAA[A>C]AGAAATCATAATTTGGCATTAGGGCGACAGAAAGGTTATGAAGAAGAAATTATTCATTTT-3'
Protein context (NP_005723.2, residues 1058-1078): QKLEENIDNI[Lys1068Asn]RNHNLALGRQ